The following is an entry in ClinVar:

ClinVar aggregate classification (germline): Uncertain significance (1 of 4 stars; one submission).

Conditions:
Paroxysmal nonkinesigenic dyskinesia. Also called: Paroxysmal non-kinesigenic dyskinesia. Identifiers: Orphanet 98810, MedGen C1869117, MONDO:0700088.

gnomAD v4.1: 1 of 1,612,302 alleles (0.000062%); no homozygotes.

Submission:

Labcorp Genetics (formerly Invitae), Labcorp
Classification: Uncertain significance for Paroxysmal nonkinesigenic dyskinesia. Last evaluated: 2023-08-17. Review status: criteria provided, single submitter. Criteria: Invitae Variant Classification Sherloc (09022015). Collection method: clinical testing. Allele origin: germline.
Comment: In summary, the available evidence is currently insufficient to determine the role of this variant in disease. Therefore, it has been classified as a Variant of Uncertain Significance. Algorithms developed to predict the effect of sequence changes on RNA splicing suggest that this variant may create or strengthen a splice site. This sequence change affects codon 384 of the PNKD mRNA. It is a 'silent' change, meaning that it does not change the encoded amino acid sequence of the PNKD protein. This variant is not present in population databases (gnomAD no frequency). This variant has not been reported in the literature in individuals affected with PNKD-related conditions.

NM_015488.5(PNKD):c.1152C>T (p.Ser384=)

Genes: CATIP-AS2 (CATIP antisense RNA 2; minus strand), PNKD (PNKD metallo-beta-lactamase domain containing; plus strand). Cytogenetic location: 2q35.
Variant type: single nucleotide variant.
Coding change: c.1152C>T on transcript NM_015488.5 (MANE Select); coding-DNA position 1152, C replaced by T.
Protein change: p.Ser384=; no amino-acid change (serine 384 retained).
Molecular consequence: synonymous variant.
Genome position (GRCh38, 1-based): chr2:218,344,975, C>T. VCF-style: chr2-218344975-C-T. GRCh37 (hg19) VCF-style: chr2-219209698-C-T.
Other names: c.1080C>T, p.Ser360= (NM_022572.5).
Identifiers: ClinVar variation 2900316 (VCV002900316.3), dbSNP rs1165801474, ClinGen allele CA431220834.